The following is an entry in ClinVar:

NM_004064.5(CDKN1B):c.275C>T (p.Pro92Leu)

Gene: CDKN1B (cyclin dependent kinase inhibitor 1B; plus strand). Cytogenetic location: 12p13.1.
Variant type: single nucleotide variant.
Coding change: c.275C>T on transcript NM_004064.5 (MANE Select); coding-DNA position 275, C replaced by T.
Protein change: p.Pro92Leu; replaces proline 92 with leucine.
Molecular consequence: missense variant.
Genome position (GRCh38, 1-based): chr12:12,718,114, C>T. VCF-style: chr12-12718114-C-T. GRCh37 (hg19) VCF-style: chr12-12871048-C-T.
Other names: c.275C>T (NM_004064.3); short protein forms P92L.
Identifiers: ClinVar variation 958524 (VCV000958524.10), dbSNP rs1253618733, ClinGen allele CA383969962.

ClinVar aggregate classification (germline): Uncertain significance. Review status: criteria provided, multiple submitters, no conflicts (2 of 4 stars). 2 submissions from 2 submitters: Uncertain significance (2). Last evaluated 2025-10-17.

Conditions:
Hereditary cancer-predisposing syndrome. Also called: Hereditary neoplastic syndrome; Tumor predisposition; Neoplastic Syndromes, Hereditary; Hereditary Cancer Syndrome. Identifiers: Orphanet 140162, MedGen C0027672, MeSH D009386, MONDO:0015356.
Multiple endocrine neoplasia type 4. Also called: MULTIPLE ENDOCRINE NEOPLASIA, TYPE IV. Identifiers: Orphanet 276152, MedGen C1970712, MONDO:0012552, OMIM 610755.

Allele frequency attached by ClinVar (database versions not stated): gnomAD exomes below 0.00001.
gnomAD v4.1: 2 of 1,614,208 alleles (0.00012%); highest among the groups gnomAD compares: Non-Finnish European, 0.000085%; no homozygotes.

Submissions (2):

Ambry Genetics
Classification: Uncertain significance for Hereditary cancer-predisposing syndrome. Last evaluated: 2025-10-17. Review status: criteria provided, single submitter. Criteria: Ambry Variant Classification Scheme 2023. Collection method: clinical testing. Allele origin: germline.
Comment: The p.P92L variant (also known as c.275C>T), located in coding exon 1 of the CDKN1B gene, results from a C to T substitution at nucleotide position 275. The proline at codon 92 is replaced by leucine, an amino acid with similar properties. This amino acid position is well conserved in available vertebrate species. In addition, the in silico prediction for this alteration is inconclusive. Based on the available evidence, the clinical significance of this variant remains unclear.

Labcorp Genetics (formerly Invitae), Labcorp
Classification: Uncertain significance for Multiple endocrine neoplasia type 4. Last evaluated: 2025-06-04. Review status: criteria provided, single submitter. Criteria: Invitae Variant Classification Sherloc (09022015). Collection method: clinical testing. Allele origin: germline.
Comment: This sequence change replaces proline, which is neutral and non-polar, with leucine, which is neutral and non-polar, at codon 92 of the CDKN1B protein (p.Pro92Leu). The frequency data for this variant in the population databases is considered unreliable, as metrics indicate poor data quality at this position in the gnomAD database. This variant has not been reported in the literature in individuals affected with CDKN1B-related conditions. ClinVar contains an entry for this variant (Variation ID: 958524). An algorithm developed to predict the effect of missense changes on protein structure and function (PolyPhen-2) suggests that this variant is likely to be disruptive. In summary, the available evidence is currently insufficient to determine the role of this variant in disease. Therefore, it has been classified as a Variant of Uncertain Significance.